The following is an entry in ClinVar:

NM_006096.4(NDRG1):c.410T>C (p.Met137Thr)

Gene: NDRG1 (N-myc downstream regulated 1; minus strand). Cytogenetic location: 8q24.22.
Variant type: single nucleotide variant.
Coding change: c.410T>C on transcript NM_006096.4 (MANE Select); coding-DNA position 410, T replaced by C.
Protein change: p.Met137Thr; replaces methionine 137 with threonine.
Molecular consequence: missense variant.
Genome position (GRCh38, 1-based): chr8:133,258,406, A>G on the plus strand (T>C on the coding strand, the complement: NDRG1 is on the minus strand). VCF-style: chr8-133258406-A-G. GRCh37 (hg19) VCF-style: chr8-134270649-A-G.
Other names: c.410T>C (NM_006096.3); c.410T>C, p.Met137Thr (NM_001135242.2, NM_001374844.1, NM_001374845.1 and 1 more transcripts); c.212T>C, p.Met71Thr (NM_001258432.2, NM_001374847.1); c.167T>C, p.Met56Thr (NM_001258433.2); short protein forms M137T, M56T, M71T.
Identifiers: ClinVar variation 1000009 (VCV001000009.8), dbSNP rs1856491809, ClinGen allele CA372255928.
Genomic context (GRCh38, chr8:133,258,406, plus strand): 5'-AAAAATGCCAAAGCACTCACAGCAAATCGAGTTAGGATGTAGGCGCCTGCTCCTGTTCCC[A>G]TGCCAATAATGCTTTTCAGCCTGGAAGCAAAAATACAAATGCATGTCACACAAGGACAGA-3'
Protein context (NP_006087.2, residues 127-147): QQFGLKSIIG[Met137Thr]GTGAGAYILT

ClinVar aggregate classification (germline): Uncertain significance. Review status: criteria provided, multiple submitters, no conflicts (2 of 4 stars). 3 submissions from 3 submitters: Uncertain significance (2). 1 of the submissions does not count toward it. Last evaluated 2024-12-31.

Conditions:
Charcot-Marie-Tooth disease type 4. Also called: Charcot-Marie-Tooth disease, type IV; Charcot-Marie-Tooth, Type 4. Identifiers: Orphanet 64749, MedGen C4082197, MONDO:0018995.
Inborn genetic diseases. Identifiers: MedGen C0950123, MeSH D030342.
Charcot-Marie-Tooth disease type 4D. Also called: CHARCOT-MARIE-TOOTH DISEASE, DEMYELINATING, TYPE 4D; NEUROPATHY, HEREDITARY MOTOR AND SENSORY, LOM TYPE; Charcot-Marie-Tooth Neuropathy Type 4D; CHARCOT-MARIE-TOOTH DISEASE, DEMYELINATING, AUTOSOMAL RECESSIVE, TYPE 4D. Identifiers: Orphanet 99950, MedGen C1832334, MONDO:0011085, OMIM 601455.

Allele frequency attached by ClinVar (database versions not stated): gnomAD exomes 0.00001.

Submissions (3):

Ambry Genetics
Classification: Uncertain significance for Inborn genetic diseases. Last evaluated: 2024-12-31. Review status: criteria provided, single submitter. Criteria: Ambry Variant Classification Scheme 2023. Collection method: clinical testing. Allele origin: germline.

Labcorp Genetics (formerly Invitae), Labcorp
Classification: Uncertain significance for Charcot-Marie-Tooth disease type 4. Last evaluated: 2021-08-20. Review status: criteria provided, single submitter. Criteria: Invitae Variant Classification Sherloc (09022015). Collection method: clinical testing. Allele origin: germline.
Comment: This sequence change replaces methionine with threonine at codon 137 of the NDRG1 protein (p.Met137Thr). The methionine residue is moderately conserved and there is a moderate physicochemical difference between methionine and threonine. This variant is not present in population databases (ExAC no frequency). This variant has not been reported in the literature in individuals affected with NDRG1-related conditions. Algorithms developed to predict the effect of missense changes on protein structure and function are either unavailable or do not agree on the potential impact of this missense change (SIFT: "Deleterious"; PolyPhen-2: "Possibly Damaging"; Align-GVGD: "Class C0"). In summary, the available evidence is currently insufficient to determine the role of this variant in disease. Therefore, it has been classified as a Variant of Uncertain Significance.

Natera, Inc.
Classification: Uncertain significance for Charcot-Marie-Tooth disease type 4D. Last evaluated: 2021-01-19. Review status: no assertion criteria provided. Collection method: clinical testing. Allele origin: germline. Not counted in ClinVar's aggregate classification.